The following is an entry in ClinVar:

NM_015272.5(RPGRIP1L):c.541C>T (p.Gln181Ter)

Gene: RPGRIP1L (RPGRIP1 like; minus strand). Cytogenetic location: 16q12.2.
Variant type: single nucleotide variant.
Coding change: c.541C>T on transcript NM_015272.5 (MANE Select); coding-DNA position 541, C replaced by T.
Protein change: p.Gln181Ter; replaces glutamine 181 with a stop codon.
Molecular consequence: nonsense.
Genome position (GRCh38, 1-based): chr16:53,687,954, G>A on the plus strand (C>T on the coding strand, the complement: RPGRIP1L is on the minus strand). VCF-style: chr16-53687954-G-A. GRCh37 (hg19) VCF-style: chr16-53721866-G-A.
Other names: c.541C>T, p.Gln181Ter (NM_001127897.4, NM_001308334.3, NM_001330538.2); short protein forms Q181*.
Identifiers: ClinVar variation 2187926 (VCV002187926.2), dbSNP rs1259684278, ClinGen allele CA395924569.

ClinVar aggregate classification (germline): Pathogenic/Likely pathogenic. Review status: criteria provided, multiple submitters, no conflicts (2 of 4 stars). 2 submissions from 2 submitters: Pathogenic (1); Likely pathogenic (1). Last evaluated 2024-03-13.

Conditions:
Meckel syndrome, type 5 (MKS5). Identifiers: Orphanet 564, MedGen C1969052, MONDO:0012695, OMIM 611561.
Joubert syndrome 7 (JBTS7). Identifiers: Orphanet 220497, MedGen C1969053, MONDO:0012694, OMIM 611560.
COACH syndrome 3. Identifiers: MedGen C5436841, MONDO:0030862, OMIM 619113.
Joubert syndrome. Also called: CEREBELLOPARENCHYMAL DISORDER IV; JOUBERT-BOLTSHAUSER SYNDROME; Familial aplasia of the vermis. Identifiers: Orphanet 475, MedGen C5979921, MONDO:0018772.
Meckel-Gruber syndrome. Also called: DYSENCEPHALIA SPLANCHNOCYSTICA; GRUBER SYNDROME; Dysencephalia splachnocystica. Identifiers: Orphanet 564, MedGen C0265215, MONDO:0018921.

Allele frequency attached by ClinVar (database versions not stated): gnomAD 0.00001.

Submissions (2):

Fulgent Genetics
Classification: Likely pathogenic for Joubert syndrome 7; Meckel syndrome, type 5; COACH syndrome 3. Last evaluated: 2024-03-13. Review status: criteria provided, single submitter. Criteria: ACMG Guidelines, 2015. Collection method: clinical testing. Allele origin: germline.

Labcorp Genetics (formerly Invitae), Labcorp
Classification: Pathogenic for Joubert syndrome; Meckel-Gruber syndrome. Last evaluated: 2022-06-09. Review status: criteria provided, single submitter. Criteria: Invitae Variant Classification Sherloc (09022015). Collection method: clinical testing. Allele origin: germline.
Comment: This sequence change creates a premature translational stop signal (p.Gln181*) in the RPGRIP1L gene. It is expected to result in an absent or disrupted protein product. Loss-of-function variants in RPGRIP1L are known to be pathogenic (PMID: 17558409). This variant is not present in population databases (gnomAD no frequency). This variant has not been reported in the literature in individuals affected with RPGRIP1L-related conditions. For these reasons, this variant has been classified as Pathogenic.

Literature cited by the submitters: PubMed 17558409 (cited by Labcorp Genetics (formerly Invitae), Labcorp).